The following is an entry in ClinVar:

NM_004006.3(DMD):c.6641C>G (p.Ser2214Ter)

Gene: DMD (dystrophin; minus strand). Cytogenetic location: Xp21.1.
Variant type: single nucleotide variant.
Coding change: c.6641C>G on transcript NM_004006.3 (MANE Select); coding-DNA position 6641, C replaced by G.
Protein change: p.Ser2214Ter; replaces serine 2214 with a stop codon.
Molecular consequence: nonsense. On other transcripts: 5 prime UTR variant (5).
Genome position (GRCh38, 1-based): chrX:31,932,201, G>C on the plus strand (C>G on the coding strand, the complement: DMD is on the minus strand). VCF-style: chrX-31932201-G-C. GRCh37 (hg19) VCF-style: chrX-31950318-G-C.
Other names: c.6617C>G, p.Ser2206Ter (NM_000109.4); c.6629C>G, p.Ser2210Ter (NM_004009.3); c.6272C>G, p.Ser2091Ter (NM_004010.3); c.2618C>G, p.Ser873Ter (NM_004011.4); c.2609C>G, p.Ser870Ter (NM_004012.4); c.-740C>G (NM_004013.3, NM_004020.4, NM_004021.3 and 2 more transcripts); short protein forms S2091*, S2206*, S2210*, S2214*, S870*, S873*.
Identifiers: ClinVar variation 4066070 (VCV004066070.2).

ClinVar aggregate classification (germline): Likely pathogenic (1 of 4 stars; one submission).

Conditions:
Becker muscular dystrophy, Cardiomyopathy, Duchenne muscular dystrophy, Dystrophin deficiency.

Submission:

Natera, Inc.
Classification: Likely pathogenic for Becker muscular dystrophy, Cardiomyopathy, Duchenne muscular dystrophy, Dystrophin deficiency. Last evaluated: 2025-04-28. Review status: criteria provided, single submitter. Criteria: Natera Variant Classification Schema (03/2026). Collection method: clinical testing. Allele origin: germline.
Comment: The c.6641C>G variant in DMD is a nonsense variant predicted to introduce a stop codon at amino acid 2214. This variant is expected to result in nonsense mediated decay, truncation, or a dysfunctional protein product. This variant is rare in the general population with a frequency below the threshold expected for the associated phenotype(s). Given the available evidence, this variant is classified as Likely Pathogenic.